The following is an entry in ClinVar:

NM_001430.5(EPAS1):c.1528G>C (p.Glu510Gln)

Gene: EPAS1 (endothelial PAS domain protein 1; plus strand). Cytogenetic location: 2p21.
Variant type: single nucleotide variant.
Coding change: c.1528G>C on transcript NM_001430.5 (MANE Select); coding-DNA position 1528, G replaced by C.
Protein change: p.Glu510Gln; replaces glutamic acid 510 with glutamine.
Molecular consequence: missense variant.
Genome position (GRCh38, 1-based): chr2:46,378,741, G>C. VCF-style: chr2-46378741-G-C. GRCh37 (hg19) VCF-style: chr2-46605880-G-C.
Other names: short protein forms E510Q.
Identifiers: ClinVar variation 1774560 (VCV001774560.2), dbSNP rs780163748, ClinGen allele CA46564852.

ClinVar aggregate classification (germline): Uncertain significance (1 of 4 stars; one submission).

Conditions:
Inborn genetic diseases. Identifiers: MedGen C0950123, MeSH D030342.

Allele frequency attached by ClinVar (database versions not stated): TOPMed 0.00001.
gnomAD v4.1: 1 of 1,614,096 alleles (0.000062%); no homozygotes.

Submission:

Ambry Genetics
Classification: Uncertain significance for Inborn genetic diseases. Last evaluated: 2022-10-17. Review status: criteria provided, single submitter. Criteria: Ambry Variant Classification Scheme 2023. Collection method: clinical testing. Allele origin: germline.
Comment: The p.E510Q variant (also known as c.1528G>C), located in coding exon 11 of the EPAS1 gene, results from a G to C substitution at nucleotide position 1528. The glutamic acid at codon 510 is replaced by glutamine, an amino acid with highly similar properties. This amino acid position is conserved. In addition, this alteration is predicted to be tolerated by in silico analysis. Since supporting evidence is limited at this time, the clinical significance of this alteration remains unclear.